The following is an entry in ClinVar:

NM_003128.3(SPTBN1):c.760G>A (p.Glu254Lys)

Gene: SPTBN1 (spectrin beta, non-erythrocytic 1; plus strand). Cytogenetic location: 2p16.2.
Variant type: single nucleotide variant.
Coding change: c.760G>A on transcript NM_003128.3 (MANE Select); coding-DNA position 760, G replaced by A.
Protein change: p.Glu254Lys; replaces glutamic acid 254 with lysine.
Molecular consequence: missense variant.
Genome position (GRCh38, 1-based): chr2:54,618,190, G>A. VCF-style: chr2-54618190-G-A. GRCh37 (hg19) VCF-style: chr2-54845327-G-A.
Other names: c.721G>A, p.Glu241Lys (NM_178313.3); short protein forms E241K, E254K.
Identifiers: ClinVar variation 3765607 (VCV003765607.1).

ClinVar aggregate classification (germline): Likely pathogenic (1 of 4 stars; one submission).

Conditions:
Developmental delay, impaired speech, and behavioral abnormalities. Identifiers: MedGen C5561957, MONDO:0859178, OMIM 619475.

Submission:

Greenwood Genetic Center Diagnostic Laboratories, Greenwood Genetic Center
Classification: Likely pathogenic for Developmental delay, impaired speech, and behavioral abnormalities. Last evaluated: 2024-08-26. Review status: criteria provided, single submitter. Criteria: ACMG Guidelines, 2015. Collection method: clinical testing. Allele origin: germline. Affected: yes.
Comment: PS2, PM2, PP2, PP3